The following is an entry in ClinVar:

ClinVar aggregate classification (germline): Pathogenic/Likely pathogenic. Review status: criteria provided, multiple submitters, no conflicts (2 of 4 stars). 2 submissions from 2 submitters: Pathogenic (1); Likely pathogenic (1). Last evaluated 2026-07-01.

Conditions:
Mitochondrial DNA depletion syndrome 3 (hepatocerebral type). Also called: Mitochondrial DNA depletion syndrome, hepatocerebral form due to DGUOK deficiency; MITOCHONDRIAL DNA DEPLETION SYNDROME 3; Deoxyguanosine Kinase Deficiency. Identifiers: Orphanet 279934, MedGen CN074093, MONDO:0009636, OMIM 251880.
Progressive external ophthalmoplegia with mitochondrial DNA deletions, autosomal recessive 4. Also called: Adult-onset multiple mitochondrial DNA deletion syndrome due to DGUOK deficiency; PROGRESSIVE EXTERNAL OPHTHALMOPLEGIA, AUTOSOMAL RECESSIVE 4. Identifiers: Orphanet 329314, MedGen C4310733, MONDO:0014899, OMIM 617070.
Portal hypertension, noncirrhotic, 1 (NCPH1). Identifiers: MedGen CN305369, MONDO:8000013, OMIM 617068.

Submissions (2):

CeGaT Center for Human Genetics Tuebingen
Classification: Pathogenic. Last evaluated: 2026-07-01. Review status: criteria provided, single submitter. Criteria: CeGaT Center For Human Genetics Tuebingen Variant Classification Criteria Version 2. Collection method: clinical testing. Allele origin: germline. Affected: yes. Observed: 1 variant allele.
Comment: DGUOK: PVS1, PM2

Fulgent Genetics
Classification: Likely pathogenic for Mitochondrial DNA depletion syndrome 3 (hepatocerebral type); Portal hypertension, noncirrhotic, 1; Progressive external ophthalmoplegia with mitochondrial DNA deletions, autosomal recessive 4. Last evaluated: 2024-03-26. Review status: criteria provided, single submitter. Criteria: ACMG Guidelines, 2015. Collection method: clinical testing. Allele origin: germline.

NM_080916.3(DGUOK):c.14_15del (p.Arg5fs)

Genes: DGUOK (deoxyguanosine kinase; plus strand), LOC129934096 (ATAC-STARR-seq lymphoblastoid active region 16036; plus strand). Cytogenetic location: 2p13.1.
Variant type: Deletion.
Coding change: c.14_15del on transcript NM_080916.3 (MANE Select); coding-DNA positions 14 to 15, 2 bases deleted (GC; older notation c.14_15delGC).
Protein change: p.Arg5fs; shifts the reading frame from arginine 5.
Molecular consequence: frameshift variant. On other transcripts: 5 prime UTR variant (4), non-coding transcript variant (6).
Genome position (GRCh38, 1-based): chr2:73,926,924-73,926,925, GC deleted; deleting any 2 consecutive bases within chr2:73,926,923-73,926,925 gives the same sequence; the c. name uses the placement nearest the transcript's 3' end. VCF-style (leftmost placement, unchanged base first): chr2-73926922-CCG-C. GRCh37 (hg19) VCF-style: chr2-74154049-CCG-C.
Other names: c.14_15del, p.Arg5fs (NM_001318859.2, NM_080918.3); c.-165_-164del (NM_001318860.2, NM_001318863.2); c.-251_-250del (NM_001318861.2, NM_001318862.2); short protein forms R5fs.
Identifiers: ClinVar variation 3586934 (VCV003586934.2).